The following is an entry in ClinVar:

ClinVar aggregate classification (germline): Conflicting classifications of pathogenicity. Review status: criteria provided, conflicting classifications (1 of 4 stars). 3 submissions from 3 submitters: Uncertain significance (2); Likely benign (1). Last evaluated 2024-05-23.

Conditions:
Hereditary cancer-predisposing syndrome. Also called: Hereditary Cancer Syndrome; Neoplastic Syndromes, Hereditary; Tumor predisposition; Hereditary neoplastic syndrome. Identifiers: Orphanet 140162, MedGen C0027672, MeSH D009386, MONDO:0015356.
Familial meningioma. Also called: Meningioma, familial, susceptibility to. Identifiers: Orphanet 263662, MedGen C3551915, MONDO:0011789, OMIM 607174.

Allele frequency attached by ClinVar (database versions not stated): gnomAD exomes 0.00001; ExAC 0.00002.
gnomAD v4.1: 10 of 1,613,894 alleles (0.00062%); highest among the groups gnomAD compares: Non-Finnish European, 0.00085%; no homozygotes.

Submissions (3):

Ambry Genetics
Classification: Likely benign for Hereditary cancer-predisposing syndrome. Last evaluated: 2024-05-23. Review status: criteria provided, single submitter. Criteria: Ambry Variant Classification Scheme 2023. Collection method: clinical testing. Allele origin: germline.

Baylor Genetics
Classification: Uncertain significance for Familial meningioma. Last evaluated: 2024-03-28. Review status: criteria provided, single submitter. Criteria: ACMG Guidelines, 2015. Collection method: clinical testing. Allele origin: unknown.

Labcorp Genetics (formerly Invitae), Labcorp
Classification: Uncertain significance for Familial meningioma. Last evaluated: 2024-02-04. Review status: criteria provided, single submitter. Criteria: Invitae Variant Classification Sherloc (09022015). Collection method: clinical testing. Allele origin: germline.
Comment: This sequence change replaces valine, which is neutral and non-polar, with methionine, which is neutral and non-polar, at codon 396 of the SMARCE1 protein (p.Val396Met). This variant is present in population databases (rs767236696, gnomAD 0.002%). This variant has not been reported in the literature in individuals affected with SMARCE1-related conditions. ClinVar contains an entry for this variant (Variation ID: 1743579). An algorithm developed to predict the effect of missense changes on protein structure and function (PolyPhen-2) suggests that this variant is likely to be disruptive. In summary, the available evidence is currently insufficient to determine the role of this variant in disease. Therefore, it has been classified as a Variant of Uncertain Significance.

NM_003079.5(SMARCE1):c.1186G>A (p.Val396Met)

Gene: SMARCE1 (SWI/SNF related BAF chromatin remodeling complex subunit E1; minus strand). Cytogenetic location: 17q21.2.
Variant type: single nucleotide variant.
Coding change: c.1186G>A on transcript NM_003079.5 (MANE Select); coding-DNA position 1186, G replaced by A.
Protein change: p.Val396Met; replaces valine 396 with methionine.
Molecular consequence: missense variant.
Genome position (GRCh38, 1-based): chr17:40,628,835, C>T on the plus strand (G>A on the coding strand, the complement: SMARCE1 is on the minus strand). VCF-style: chr17-40628835-C-T. GRCh37 (hg19) VCF-style: chr17-38785087-C-T.
Other names: short protein forms V396M.
Identifiers: ClinVar variation 1743579 (VCV001743579.6), dbSNP rs767236696, ClinGen allele CA8545048.